The following is an entry in ClinVar:

ClinVar aggregate classification (germline): Uncertain significance (1 of 4 stars; one submission).

Conditions:
Fanconi anemia (FA). Also called: Fanconi's anemia. Identifiers: Orphanet 84, MedGen C0015625, MeSH D005199, MONDO:0019391.

Submission:

Labcorp Genetics (formerly Invitae), Labcorp
Classification: Uncertain significance for Fanconi anemia. Last evaluated: 2022-04-19. Review status: criteria provided, single submitter. Criteria: Invitae Variant Classification Sherloc (09022015). Collection method: clinical testing. Allele origin: germline.
Comment: Algorithms developed to predict the effect of missense changes on protein structure and function output the following: SIFT: "Tolerated"; PolyPhen-2: "Benign"; Align-GVGD: "Class C0". The aspartic acid amino acid residue is found in multiple mammalian species, which suggests that this missense change does not adversely affect protein function. In summary, the available evidence is currently insufficient to determine the role of this variant in disease. Therefore, it has been classified as a Variant of Uncertain Significance. This variant has not been reported in the literature in individuals affected with FANCM-related conditions. This variant is not present in population databases (gnomAD no frequency). This sequence change replaces glutamic acid, which is acidic and polar, with aspartic acid, which is acidic and polar, at codon 1300 of the FANCM protein (p.Glu1300Asp).

NM_020937.4(FANCM):c.3900A>C (p.Glu1300Asp)

Gene: FANCM (FA complementation group M; plus strand). Cytogenetic location: 14q21.2.
Variant type: single nucleotide variant.
Coding change: c.3900A>C on transcript NM_020937.4 (MANE Select); coding-DNA position 3900, A replaced by C.
Protein change: p.Glu1300Asp; replaces glutamic acid 1300 with aspartic acid.
Molecular consequence: missense variant.
Genome position (GRCh38, 1-based): chr14:45,176,654, A>C. VCF-style: chr14-45176654-A-C. GRCh37 (hg19) VCF-style: chr14-45645857-A-C.
Other names: c.3822A>C, p.Glu1274Asp (NM_001308133.2); short protein forms E1274D, E1300D.
Identifiers: ClinVar variation 2127955 (VCV002127955.4), dbSNP rs2503195495, ClinGen allele CA389603469.